The following is an entry in ClinVar:

ClinVar aggregate classification (germline): Likely benign (0 of 4 stars; one submission).

Conditions:
NLGN4X-related disorder. Also called: NLGN4X-related condition.

Allele frequency attached by ClinVar (database versions not stated): gnomAD exomes 0.00004; ExAC 0.00007; gnomAD 0.00032; TOPMed 0.00036.
gnomAD v4.1: 79 of 1,209,453 alleles (0.0065%); highest among the groups gnomAD compares: African/African-American, 0.14%; no homozygotes.

Submission:

PreventionGenetics, part of Exact Sciences
Classification: Likely benign for NLGN4X-related condition. Last evaluated: 2022-05-09. Review status: no assertion criteria provided. Collection method: clinical testing. Allele origin: germline.
Comment: This variant is classified as likely benign based on ACMG/AMP sequence variant interpretation guidelines (Richards et al. 2015 PMID: 25741868, with internal and published modifications).

NM_181332.3(NLGN4X):c.2295C>G (p.Arg765=)

Gene: NLGN4X (neuroligin 4 X-linked; minus strand). Cytogenetic location: Xp22.32.
Variant type: single nucleotide variant.
Coding change: c.2295C>G on transcript NM_181332.3 (MANE Select); coding-DNA position 2295, C replaced by G.
Protein change: p.Arg765=; no amino-acid change (arginine 765 retained).
Molecular consequence: synonymous variant.
Genome position (GRCh38, 1-based): chrX:5,892,973, G>C on the plus strand (C>G on the coding strand, the complement: NLGN4X is on the minus strand). VCF-style: chrX-5892973-G-C. GRCh37 (hg19) VCF-style: chrX-5811014-G-C.
Other names: c.2295C>G, p.Arg765= (NM_001282145.2, NM_001282146.2, NM_020742.4).
Identifiers: ClinVar variation 3036042 (VCV003036042.2), dbSNP rs770890880, ClinGen allele CA10340902.